The following is an entry in ClinVar:

ClinVar aggregate classification (germline): Benign/Likely benign. Review status: criteria provided, multiple submitters, no conflicts (2 of 4 stars). 7 submissions from 7 submitters: Benign (1); Likely benign (4). 2 of the submissions do not count toward it. Last evaluated 2026-01-26.

Conditions:
Methylmalonic acidemia with homocystinuria, type cblX (MAHCX). Also called: INTELLECTUAL DEVELOPMENTAL DISORDER, X-LINKED 3. Identifiers: Orphanet 369962, MedGen C0796208, MONDO:0010657, OMIM 309541.

Allele frequency attached by ClinVar (database versions not stated): ESP Exome Variant Server 0.00061; TOPMed 0.00066; gnomAD 0.00068 and 0.00071; 1000 Genomes Project 0.00079; 1000 Genomes Project 30x 0.00083; ExAC 0.00083.
gnomAD v4.1: 1,248 of 1,209,255 alleles (0.1%); highest among the groups gnomAD compares: Middle Eastern, 0.46%; 2 homozygotes.

Submissions (7):

Labcorp Genetics (formerly Invitae), Labcorp
Classification: Benign for Methylmalonic acidemia with homocystinuria, type cblX. Last evaluated: 2026-01-26. Review status: criteria provided, single submitter. Criteria: Invitae Variant Classification Sherloc (09022015). Collection method: clinical testing. Allele origin: germline.

Blueprint Genetics
Classification: Likely benign. Last evaluated: 2024-10-15. Review status: criteria provided, single submitter. Criteria: ACMG Guidelines, 2015. Collection method: clinical testing. Allele origin: germline.

CeGaT Center for Human Genetics Tuebingen
Classification: Likely benign. Last evaluated: 2018-09-01. Review status: criteria provided, single submitter. Criteria: CeGaT Center For Human Genetics Tuebingen Variant Classification Criteria Version 2. Collection method: clinical testing. Allele origin: germline. Affected: yes. Observed: 2 variant alleles.

GeneDx
Classification: Likely benign. Last evaluated: 2017-11-20. Review status: criteria provided, single submitter. Criteria: GeneDx Variant Classification (06012015). Collection method: clinical testing. Allele origin: germline. Affected: yes.
Comment: This variant is considered likely benign or benign based on one or more of the following criteria: it is a conservative change, it occurs at a poorly conserved position in the protein, it is predicted to be benign by multiple in silico algorithms, and/or has population frequency not consistent with disease.

Breakthrough Genomics
Classification: Likely benign. Review status: criteria provided, single submitter. Criteria: ACMG Guidelines, 2015. Collection method: not provided. Allele origin: germline. Inheritance: X-linked inheritance. Affected: yes.

Clinical Genetics DNA and cytogenetics Diagnostics Lab, Erasmus MC, Erasmus Medical Center
Classification: Likely benign. Review status: no assertion criteria provided. Collection method: clinical testing. Allele origin: germline. Affected: yes. Study: VKGL Data-share Consensus. Not counted in ClinVar's aggregate classification.

Genome Diagnostics Laboratory, University Medical Center Utrecht
Classification: Likely benign. Review status: no assertion criteria provided. Collection method: clinical testing. Allele origin: germline. Affected: yes. Study: VKGL Data-share Consensus. Not counted in ClinVar's aggregate classification.

NM_005334.3(HCFC1):c.5298G>A (p.Pro1766=)

Gene: HCFC1 (host cell factor C1; minus strand). Cytogenetic location: Xq28.
Variant type: single nucleotide variant.
Coding change: c.5298G>A on transcript NM_005334.3 (MANE Select); coding-DNA position 5298, G replaced by A.
Protein change: p.Pro1766=; no amino-acid change (proline 1766 retained).
Molecular consequence: synonymous variant.
Genome position (GRCh38, 1-based): chrX:153,951,670, C>T on the plus strand (G>A on the coding strand, the complement: HCFC1 is on the minus strand). VCF-style: chrX-153951670-C-T. GRCh37 (hg19) VCF-style: chrX-153217121-C-T.
Identifiers: ClinVar variation 382078 (VCV000382078.55), dbSNP rs377035512, ClinGen allele CA10556814.